The following is an entry in ClinVar:

NM_152722.5(HEPACAM):c.1002G>C (p.Glu334Asp)

Gene: HEPACAM (hepatic and glial cell adhesion molecule; minus strand). Cytogenetic location: 11q24.2.
Variant type: single nucleotide variant.
Coding change: c.1002G>C on transcript NM_152722.5 (MANE Select); coding-DNA position 1002, G replaced by C.
Protein change: p.Glu334Asp; replaces glutamic acid 334 with aspartic acid.
Molecular consequence: missense variant.
Genome position (GRCh38, 1-based): chr11:124,921,387, C>G on the plus strand (G>C on the coding strand, the complement: HEPACAM is on the minus strand). VCF-style: chr11-124921387-C-G. GRCh37 (hg19) VCF-style: chr11-124791283-C-G.
Other names: c.1158G>C, p.Glu386Asp (NM_001411043.1); short protein forms E386D, E334D.
Identifiers: ClinVar variation 2004463 (VCV002004463.4), dbSNP rs2497454985, ClinGen allele CA383137918.

ClinVar aggregate classification (germline): Uncertain significance (1 of 4 stars; one submission).

Allele frequency attached by ClinVar (database versions not stated): gnomAD exomes below 0.00001.

Submission:

Labcorp Genetics (formerly Invitae), Labcorp
Classification: Uncertain significance. Last evaluated: 2022-06-10. Review status: criteria provided, single submitter. Criteria: Invitae Variant Classification Sherloc (09022015). Collection method: clinical testing. Allele origin: germline.
Comment: This sequence change replaces glutamic acid, which is acidic and polar, with aspartic acid, which is acidic and polar, at codon 334 of the HEPACAM protein (p.Glu334Asp). This variant is not present in population databases (gnomAD no frequency). This variant has not been reported in the literature in individuals affected with HEPACAM-related conditions. Algorithms developed to predict the effect of missense changes on protein structure and function (SIFT, PolyPhen-2, Align-GVGD) all suggest that this variant is likely to be tolerated. In summary, the available evidence is currently insufficient to determine the role of this variant in disease. Therefore, it has been classified as a Variant of Uncertain Significance.